The following is an entry in ClinVar:

NM_000059.4(BRCA2):c.729dup (p.Asp244Ter)

Gene: BRCA2 (BRCA2 DNA repair associated; plus strand). Cytogenetic location: 13q13.1.
Variant type: Duplication.
Coding change: c.729dup on transcript NM_000059.4 (MANE Select); coding-DNA position 729, one base duplicated (T; older notation c.729dupT).
Protein change: p.Asp244Ter; replaces aspartic acid 244 with a stop codon.
Molecular consequence: nonsense.
Genome position (GRCh38, 1-based): chr13:32,330,966, T duplicated. VCF-style (leftmost placement, unchanged base first): chr13-32330965-A-AT. GRCh37 (hg19) VCF-style: chr13-32905102-A-AT.
Other names: 957insT; short protein forms D244*.
Identifiers: ClinVar variation 267000 (VCV000267000.3), dbSNP rs886040698, ClinGen allele CA10589046.

ClinVar aggregate classification (germline): Pathogenic (3 of 4 stars; one submission).

Conditions:
Breast-ovarian cancer, familial, susceptibility to, 2 (BROVCA2). Also called: BRCA2 Hereditary Breast and Ovarian Cancer. Identifiers: Orphanet 145, MedGen C2675520, MONDO:0012933, OMIM 612555. Disease mechanism: loss of function.

Submission:

Evidence-based Network for the Interpretation of Germline Mutant Alleles (ENIGMA)
Classification: Pathogenic for Breast-ovarian cancer, familial, susceptibility to, 2. Last evaluated: 2016-10-18. Review status: reviewed by expert panel. Criteria: ENIGMA BRCA1/2 Classification Criteria (2015). Collection method: curation. Allele origin: germline.
Comment: Variant allele predicted to encode a truncated non-functional protein.